The following is an entry in ClinVar:

NM_006245.4(PPP2R5D):c.776A>G (p.Lys259Arg)

Gene: PPP2R5D (protein phosphatase 2 regulatory subunit B'delta; plus strand). Cytogenetic location: 6p21.1.
Variant type: single nucleotide variant.
Coding change: c.776A>G on transcript NM_006245.4 (MANE Select); coding-DNA position 776, A replaced by G.
Protein change: p.Lys259Arg; replaces lysine 259 with arginine.
Molecular consequence: missense variant.
Genome position (GRCh38, 1-based): chr6:43,007,984, A>G. VCF-style: chr6-43007984-A-G. GRCh37 (hg19) VCF-style: chr6-42975722-A-G.
Other names: c.323A>G, p.Lys108Arg (NM_001270476.2); c.680A>G, p.Lys227Arg (NM_180976.3); c.458A>G, p.Lys153Arg (NM_180977.3); short protein forms K108R, K227R, K259R, K153R.
Identifiers: ClinVar variation 2072582 (VCV002072582.4), dbSNP rs2532479260, ClinGen allele CA364189455.

ClinVar aggregate classification (germline): Uncertain significance (1 of 4 stars; one submission).

Submission:

Labcorp Genetics (formerly Invitae), Labcorp
Classification: Uncertain significance. Last evaluated: 2023-11-27. Review status: criteria provided, single submitter. Criteria: Invitae Variant Classification Sherloc (09022015). Collection method: clinical testing. Allele origin: germline.
Comment: This sequence change replaces lysine, which is basic and polar, with arginine, which is basic and polar, at codon 259 of the PPP2R5D protein (p.Lys259Arg). This variant is not present in population databases (gnomAD no frequency). This variant has not been reported in the literature in individuals affected with PPP2R5D-related conditions. ClinVar contains an entry for this variant (Variation ID: 2072582). An algorithm developed to predict the effect of missense changes on protein structure and function (PolyPhen-2) suggests that this variant is likely to be disruptive. In summary, the available evidence is currently insufficient to determine the role of this variant in disease. Therefore, it has been classified as a Variant of Uncertain Significance.